The following is an entry in ClinVar:

ClinVar aggregate classification (germline): Likely benign (1 of 4 stars; one submission).

gnomAD v4.1: 3 of 1,613,496 alleles (0.00019%); highest among the groups gnomAD compares: Non-Finnish European, 0.00025%; no homozygotes.

Submission:

CeGaT Center for Human Genetics Tuebingen
Classification: Likely benign. Last evaluated: 2024-12-01. Review status: criteria provided, single submitter. Criteria: CeGaT Center For Human Genetics Tuebingen Variant Classification Criteria Version 2. Collection method: clinical testing. Allele origin: germline. Affected: yes. Observed: 1 variant allele.
Comment: PTCH2: BP4, BP7

NM_003738.5(PTCH2):c.2893C>T (p.Leu965=)

Gene: PTCH2 (patched 2; minus strand). Cytogenetic location: 1p34.1.
Variant type: single nucleotide variant.
Coding change: c.2893C>T on transcript NM_003738.5 (MANE Select); coding-DNA position 2893, C replaced by T.
Protein change: p.Leu965=; no amino-acid change (leucine 965 retained).
Molecular consequence: synonymous variant.
Genome position (GRCh38, 1-based): chr1:44,826,571, G>A on the plus strand (C>T on the coding strand, the complement: PTCH2 is on the minus strand). VCF-style: chr1-44826571-G-A. GRCh37 (hg19) VCF-style: chr1-45292243-G-A.
Other names: c.2893C>T, p.Leu965= (NM_001166292.2).
Identifiers: ClinVar variation 3771948 (VCV003771948.13).